The following is an entry in ClinVar:

NM_000532.5(PCCB):c.580T>G (p.Ser194Ala)

Gene: PCCB (propionyl-CoA carboxylase subunit beta; plus strand). Cytogenetic location: 3q22.3.
Variant type: single nucleotide variant.
Coding change: c.580T>G on transcript NM_000532.5 (MANE Select); coding-DNA position 580, T replaced by G.
Protein change: p.Ser194Ala; replaces serine 194 with alanine.
Molecular consequence: missense variant.
Genome position (GRCh38, 1-based): chr3:136,283,873, T>G. VCF-style: chr3-136283873-T-G. GRCh37 (hg19) VCF-style: chr3-136002715-T-G.
Other names: c.640T>G, p.Ser214Ala (NM_001178014.2); short protein forms S194A, S214A.
Identifiers: ClinVar variation 1395328 (VCV001395328.5), dbSNP rs1237531952, ClinGen allele CA354641838.

ClinVar aggregate classification (germline): Uncertain significance (1 of 4 stars; one submission).

Conditions:
Propionic acidemia (PROP). Also called: GLYCINEMIA, KETOTIC; HYPERGLYCINEMIA WITH KETOACIDOSIS AND LEUKOPENIA; KETOTIC HYPERGLYCINEMIA. Identifiers: Orphanet 35, MedGen C0268579, MONDO:0011628, OMIM 606054, HP:0003571.

Allele frequency attached by ClinVar (database versions not stated): gnomAD exomes 0.00001.
gnomAD v4.1: 4 of 1,613,864 alleles (0.00025%); highest among the groups gnomAD compares: Non-Finnish European, 0.00025%; no homozygotes.

Submission:

Labcorp Genetics (formerly Invitae), Labcorp
Classification: Uncertain significance for Propionic acidemia. Last evaluated: 2022-06-22. Review status: criteria provided, single submitter. Criteria: Invitae Variant Classification Sherloc (09022015). Collection method: clinical testing. Allele origin: germline.
Comment: This sequence change replaces serine, which is neutral and polar, with alanine, which is neutral and non-polar, at codon 194 of the PCCB protein (p.Ser194Ala). This variant is present in population databases (no rsID available, gnomAD 0.003%). This variant has not been reported in the literature in individuals affected with PCCB-related conditions. Algorithms developed to predict the effect of missense changes on protein structure and function (SIFT, PolyPhen-2, Align-GVGD) all suggest that this variant is likely to be disruptive. In summary, the available evidence is currently insufficient to determine the role of this variant in disease. Therefore, it has been classified as a Variant of Uncertain Significance.